The following is an entry in ClinVar:

ClinVar aggregate classification (germline): Uncertain significance (1 of 4 stars; one submission).

Conditions:
Hemiparkinsonism-hemiatrophy syndrome. Identifiers: Orphanet 306669, MedGen C4545231, MONDO:0017636.

Submission:

Broad Center for Mendelian Genomics, Broad Institute of MIT and Harvard
Classification: Uncertain significance for Hemiparkinsonism-hemiatrophy syndrome. Last evaluated: 2020-11-16. Review status: criteria provided, single submitter. Criteria: ACMG Guidelines, 2015. Collection method: curation. Allele origin: germline. Inheritance: Autosomal dominant inheritance.
Comment: Trio genome analysis showed this variant to be de novo. The variant has not been previously reported in individuals with hemiparkinsonism and was absent from large population studies. This nonsense variant leads to a premature termination codon at position 147. This alteration occurs within the last exon and is more likely to escape nonsense mediated decay (NMD) and result in a truncated protein. It is of note that loss of function of H3F3B in an autosomal dominant disease has not yet been established based on the criteria laid out in Tayoun, 2018 (PMID: 30192042). Finally, although this gene has been reported in association with hemiparkinsonism, it currently has limited evidence for these associations. In summary, while there is some suspicion for a pathogenic role, the evidence for this gene-disease relationship is limited and therefore the clinical significance of this variant is uncertain. ACMG/AMP Criteria applied: PS2, PM2 (Richards 2015).

NM_005324.5(H3-3B):c.354C>A (p.Val118=)

Gene: H3-3B (H3.3 histone B; minus strand). Cytogenetic location: 17q25.1.
Variant type: single nucleotide variant.
Coding change: c.354C>A on transcript NM_005324.5 (MANE Select); coding-DNA position 354, C replaced by A.
Protein change: p.Val118=; no amino-acid change (valine 118 retained).
Molecular consequence: synonymous variant.
Genome position (GRCh38, 1-based): chr17:75,778,652, G>T on the plus strand (C>A on the coding strand, the complement: H3-3B is on the minus strand). VCF-style: chr17-75778652-G-T. GRCh37 (hg19) VCF-style: chr17-73774733-G-T.
Identifiers: ClinVar variation 986385 (VCV000986385.1), dbSNP rs766432479, ClinGen allele CA401115207.